The following is an entry in ClinVar:

NM_002691.4(POLD1):c.877T>C (p.Ser293Pro)

Gene: POLD1 (DNA polymerase delta 1, catalytic subunit; plus strand). Cytogenetic location: 19q13.33.
Variant type: single nucleotide variant.
Coding change: c.877T>C on transcript NM_002691.4 (MANE Select); coding-DNA position 877, T replaced by C.
Protein change: p.Ser293Pro; replaces serine 293 with proline.
Molecular consequence: missense variant. On other transcripts: non-coding transcript variant (1).
Genome position (GRCh38, 1-based): chr19:50,402,648, T>C. VCF-style: chr19-50402648-T-C. GRCh37 (hg19) VCF-style: chr19-50905905-T-C.
Other names: c.877T>C, p.Ser293Pro (NM_001256849.1, NM_001308632.1); short protein forms S293P.
Identifiers: ClinVar variation 850001 (VCV000850001.9), dbSNP rs2038698936, ClinGen allele CA406976829.

ClinVar aggregate classification (germline): Uncertain significance (1 of 4 stars; one submission).

Conditions:
POLD1-related polyposis and colorectal cancer syndrome (CRCS10). Also called: Colorectal cancer 10; COLORECTAL CANCER, SUSCEPTIBILITY TO, ON CHROMOSOME 19q; Colorectal cancer, susceptibility to, 10. Identifiers: Orphanet 220460, MedGen C2675481, MONDO:0012953, OMIM 612591.

Submission:

Labcorp Genetics (formerly Invitae), Labcorp
Classification: Uncertain significance for POLD1-related polyposis and colorectal cancer syndrome. Last evaluated: 2019-08-19. Review status: criteria provided, single submitter. Criteria: Invitae Variant Classification Sherloc (09022015). Collection method: clinical testing. Allele origin: germline.
Comment: In summary, the available evidence is currently insufficient to determine the role of this variant in disease. Therefore, it has been classified as a Variant of Uncertain Significance. Algorithms developed to predict the effect of missense changes on protein structure and function output the following: SIFT: "Tolerated"; PolyPhen-2: "Possibly Damaging"; Align-GVGD: "Class C0". The proline amino acid residue is found in multiple mammalian species, suggesting that this missense change does not adversely affect protein function. These predictions have not been confirmed by published functional studies and their clinical significance is uncertain. This variant has not been reported in the literature in individuals with POLD1-related conditions. This variant is not present in population databases (ExAC no frequency). This sequence change replaces serine with proline at codon 293 of the POLD1 protein (p.Ser293Pro). The serine residue is weakly conserved and there is a moderate physicochemical difference between serine and proline.